The following is an entry in ClinVar:

NM_006164.5(NFE2L2):c.83T>C (p.Ile28Thr)

Gene: NFE2L2 (NFE2 like bZIP transcription factor 2; minus strand). Cytogenetic location: 2q31.2.
Variant type: single nucleotide variant.
Coding change: c.83T>C on transcript NM_006164.5 (MANE Select); coding-DNA position 83, T replaced by C.
Protein change: p.Ile28Thr; replaces isoleucine 28 with threonine.
Molecular consequence: missense variant. On other transcripts: 5 prime UTR variant (1).
Genome position (GRCh38, 1-based): chr2:177,234,234, A>G on the plus strand (T>C on the coding strand, the complement: NFE2L2 is on the minus strand). VCF-style: chr2-177234234-A-G. GRCh37 (hg19) VCF-style: chr2-178098962-A-G.
Other names: c.35T>C, p.Ile12Thr (NM_001145412.3, NM_001145413.3, NM_001313900.1 and 1 more transcripts); c.83T>C, p.Ile28Thr (NM_001313902.2, NM_001313903.2); c.-147T>C (NM_001313904.1); short protein forms I12T, I28T.
Identifiers: ClinVar variation 3731036 (VCV003731036.1).

ClinVar aggregate classification (germline): Uncertain significance (1 of 4 stars; one submission).

Submission:

GeneDx
Classification: Uncertain significance. Last evaluated: 2024-08-13. Review status: criteria provided, single submitter. Criteria: GeneDx Variant Classification Process June 2021. Collection method: clinical testing. Allele origin: germline. Affected: yes.
Comment: Not observed at significant frequency in large population cohorts (gnomAD); In silico analysis supports that this missense variant has a deleterious effect on protein structure/function; Has not been previously published as pathogenic or benign to our knowledge